The following is an entry in ClinVar:

ClinVar aggregate classification (germline): Uncertain significance (1 of 4 stars; one submission).

Submission:

Ambry Genetics
Classification: Uncertain significance. Last evaluated: 2024-06-24. Review status: criteria provided, single submitter. Criteria: Ambry Variant Classification Scheme 2023. Collection method: clinical testing. Allele origin: germline.
Comment: The p.C1172Y variant (also known as c.3515G>A), located in coding exon 17 of the NPAT gene, results from a G to A substitution at nucleotide position 3515. The cysteine at codon 1172 is replaced by tyrosine, an amino acid with highly dissimilar properties. This amino acid position is conserved. In addition, this alteration is predicted to be tolerated by in silico analysis. Since supporting evidence is limited at this time, the clinical significance of this alteration remains unclear.

NM_002519.3(NPAT):c.3515G>A (p.Cys1172Tyr)

Gene: NPAT (nuclear protein, coactivator of histone transcription; minus strand). Cytogenetic location: 11q22.3.
Variant type: single nucleotide variant.
Coding change: c.3515G>A on transcript NM_002519.3 (MANE Select); coding-DNA position 3515, G replaced by A.
Protein change: p.Cys1172Tyr; replaces cysteine 1172 with tyrosine.
Molecular consequence: missense variant.
Genome position (GRCh38, 1-based): chr11:108,161,571, C>T on the plus strand (G>A on the coding strand, the complement: NPAT is on the minus strand). VCF-style: chr11-108161571-C-T. GRCh37 (hg19) VCF-style: chr11-108032298-C-T.
Other names: c.3536G>A, p.Cys1179Tyr (NM_001321307.1); short protein forms C1179Y, C1172Y.
Identifiers: ClinVar variation 1732199 (VCV001732199.3), dbSNP rs2496695749, ClinGen allele CA382510640.
Genomic context (GRCh38, chr11:108,161,571, plus strand): 5'-TTTTGCTGCCCAATAGATAGTTTTGAATTTTCTGGATTTTTCTGTCTTTCTACATCGCTG[C>T]ATAATTCATTCTCCTTATTAGCTGTTGCTTTATGGAAAGATTCAAGCACAATTTCTGTTG-3'
Protein context (NP_002510.2, residues 1162-1182): KATANKENEL[Cys1172Tyr]SDVERQKNPE